The following is an entry in ClinVar:

ClinVar aggregate classification (germline): Benign/Likely benign. Review status: criteria provided, multiple submitters, no conflicts (2 of 4 stars). 21 submissions from 21 submitters: Benign (15); Likely benign (4). 2 of the submissions do not count toward it. Last evaluated 2026-02-04.

Conditions:
Hereditary cancer-predisposing syndrome. Also called: Tumor predisposition; Hereditary neoplastic syndrome; Hereditary Cancer Syndrome; Neoplastic Syndromes, Hereditary. Identifiers: Orphanet 140162, MedGen C0027672, MeSH D009386, MONDO:0015356.
Hereditary breast ovarian cancer syndrome. Also called: Hereditary breast and ovarian cancer; Hereditary breast and/or ovarian cancer syndrome; BRCA1- and BRCA2-Associated Hereditary Breast and Ovarian Cancer; Hereditary breast and ovarian cancer syndrome (HBOC); Hereditary breast and ovarian cancer syndrome; Breast and ovarian cancer. Identifiers: Orphanet 145, MedGen C0677776, MeSH D061325, MONDO:0003582. Disease mechanism: loss of function.
Familial cancer of breast. Also called: Hereditary breast cancer; hereditary breast carcinoma; BREAST CANCER, FAMILIAL. Identifiers: Orphanet 227535, MedGen C0346153, MONDO:0016419, OMIM 114480. Disease mechanism: loss of function.
Malignant tumor of breast. Also called: Cancer breast; Malignant breast neoplasm. Identifiers: MedGen C0006142, MONDO:0007254. Disease mechanism: loss of function.

Allele frequency attached by ClinVar (database versions not stated): gnomAD exomes 0.00196 and 0.00523; ExAC 0.00640; gnomAD 0.01986 and 0.02135; TOPMed 0.02169; ESP Exome Variant Server 0.02291; 1000 Genomes Project 0.02536; 1000 Genomes Project 30x 0.02608.
gnomAD v4.1: 6,062 of 1,613,948 alleles (0.38%); highest among the groups gnomAD compares: African/African-American, 6.8%; 198 homozygotes.

Submissions (21):

Labcorp Genetics (formerly Invitae), Labcorp
Classification: Benign for Familial cancer of breast. Last evaluated: 2026-02-04. Review status: criteria provided, single submitter. Criteria: Invitae Variant Classification Sherloc (09022015). Collection method: clinical testing. Allele origin: germline.

Dasa
Classification: Likely benign. Last evaluated: 2025-11-06. Review status: criteria provided, single submitter. Criteria: DASA Assertion Criteria. Collection method: clinical testing. Allele origin: germline.
Comment: NM_000465.4(BARD1):c.1933T>C (p.Cys645Arg) is a missense variant that results in the substitution of cysteine with arginine. Population frequency is inconsistent with a disease-causing role for this variant, and the variant context is inconsistent with a known disease-causing mechanism. Computational prediction algorithms are consistent with a benign effect. Therefore, based on the currently available evidence, this variant is classified as likely benign.

CeGaT Center for Human Genetics Tuebingen
Classification: Benign. Last evaluated: 2025-06-01. Review status: criteria provided, single submitter. Criteria: CeGaT Center For Human Genetics Tuebingen Variant Classification Criteria Version 2. Collection method: clinical testing. Allele origin: germline. Affected: yes. Observed: 1 variant allele.
Comment: BARD1: BP4, BS1, BS2

ARUP Laboratories, Molecular Genetics and Genomics, ARUP Laboratories
Classification: Benign for Familial cancer of breast. Last evaluated: 2025-05-06. Review status: criteria provided, single submitter. Criteria: ARUP Molecular Germline Variant Investigation Process 2024. Collection method: clinical testing. Allele origin: germline.

Center for Genomic Medicine, Rigshospitalet, Copenhagen University Hospital
Classification: Benign. Last evaluated: 2025-03-04. Review status: criteria provided, single submitter. Criteria: ACMG Guidelines, 2015. Collection method: clinical testing. Allele origin: germline.

Blueprint Genetics
Classification: Likely benign. Last evaluated: 2024-11-25. Review status: criteria provided, single submitter. Criteria: ACMG Guidelines, 2015. Collection method: clinical testing. Allele origin: germline.

KCCC/NGS Laboratory, Kuwait Cancer Control Center
Classification: Benign for Familial cancer of breast. Last evaluated: 2023-07-07. Review status: criteria provided, single submitter. Criteria: ACMG Guidelines, 2015. Collection method: clinical testing. Allele origin: germline. Affected: yes.

Myriad Genetics, Inc.
Classification: Benign for Familial cancer of breast. Last evaluated: 2023-02-24. Review status: criteria provided, single submitter. Criteria: Myriad Autosomal Dominant, Autosomal Recessive and X-Linked Classification Criteria (2023). Collection method: clinical testing. Allele origin: unknown.
Comment: This variant is considered benign. This variant has been observed at a population frequency that is significantly greater than expected given the associated disease prevalence and penetrance. This variant is strongly associated with less severe personal and family histories of cancer, typical for individuals without pathogenic variants in this gene [PMID: 25085752].

Fulgent Genetics
Classification: Benign for Familial cancer of breast. Last evaluated: 2022-05-24. Review status: criteria provided, single submitter. Criteria: ACMG Guidelines, 2015. Collection method: clinical testing. Allele origin: unknown.

National Health Laboratory Service, Universitas Academic Hospital and University of the Free State
Classification: Benign for Hereditary breast ovarian cancer syndrome. Last evaluated: 2022-04-19. Review status: criteria provided, single submitter. Criteria: ACMG Guidelines, 2015. Collection method: clinical testing. Allele origin: germline. Affected: yes. Observed: 20 variant alleles.

Mayo Clinic Laboratories, Mayo Clinic
Classification: Benign. Last evaluated: 2021-04-26. Review status: criteria provided, single submitter. Criteria: ACMG Guidelines, 2015. Collection method: clinical testing. Allele origin: germline. Observed: 5 variant alleles.

Quest Diagnostics Nichols Institute San Juan Capistrano
Classification: Benign. Last evaluated: 2020-07-22. Review status: criteria provided, single submitter. Criteria: Quest Diagnostics criteria. Collection method: clinical testing. Allele origin: unknown.

Illumina Laboratory Services, Illumina
Classification: Likely benign for Familial cancer of breast. Last evaluated: 2017-04-27. Review status: criteria provided, single submitter. Criteria: ICSL Variant Classification Criteria 13 December 2019. Collection method: clinical testing. Allele origin: germline.
Comment: This variant was observed as part of a predisposition screen in an ostensibly healthy population. A literature search was performed for the gene, cDNA change, and amino acid change (where applicable). Publications were found based on this search. The evidence from the literature, in combination with allele frequency data from public databases where available, was sufficient to determine this variant is unlikely to cause disease. Therefore, this variant is classified as likely benign.

PreventionGenetics, part of Exact Sciences
Classification: Benign. Last evaluated: 2016-11-22. Review status: criteria provided, single submitter. Criteria: ACMG Guidelines, 2015. Collection method: clinical testing. Allele origin: germline.

Women's Health and Genetics/Laboratory Corporation of America, LabCorp
Classification: Benign. Last evaluated: 2016-04-07. Review status: criteria provided, single submitter. Criteria: LabCorp Variant Classification Summary - May 2015. Collection method: clinical testing. Allele origin: germline.
Comment: Variant summary:The c.1933T>C variant involves the alteration of a non-conserved nucleotide and causes change from medium size and polar (C) residue to large size and basic. 4/5 in silico tools predict a benign outcome. The variant was observed in the large and broad cohorts of the ExAC project at an allele frequency of 1% (779/121331 chromosomes), predominantly observed in the African subpopulation at a frequency of 6.9% (720/10388 chromosomes) including 31 African homozygous occurrences. These frequencies exceed the maximal expected allele frequency for a pathogenic BARD1 variant of 0.0218%, suggesting this is a benign polymorphism found primarily in populations of African origin. One reputable clinical lab has classified this variant as benign (Ambry Genetics). It has previously been reported in patients with breast and ovarian cancer (Sauer 2005) without strong evidence for causality. Functional analyses showed this variant decreased the tumor suppression activity and apoptosis (Sauer 2005) and decreased the binding activity with poly(ADP-ribose) and BRCA1 (Li 2013). However, the in vivo implications of these functional findings have not been confirmed yet. Considering all, especially based on the high allele frequency in population cohorts, this variant is classified as Benign.

GeneDx
Classification: Benign. Last evaluated: 2015-03-03. Review status: criteria provided, single submitter. Criteria: GeneDx Variant Classification Process June 2021. Collection method: clinical testing. Allele origin: germline. Affected: yes.

Ambry Genetics
Classification: Benign for Hereditary cancer-predisposing syndrome. Last evaluated: 2014-11-25. Review status: criteria provided, single submitter. Criteria: Ambry Variant Classification Scheme 2023. Collection method: clinical testing. Allele origin: germline.

Color Diagnostics, LLC DBA Color Health
Classification: Benign for Hereditary cancer-predisposing syndrome. Last evaluated: 2014-11-18. Review status: criteria provided, single submitter. Criteria: ACMG Guidelines, 2015. Collection method: clinical testing. Allele origin: germline.

Breakthrough Genomics
Classification: Likely benign. Review status: criteria provided, single submitter. Criteria: ACMG Guidelines, 2015. Collection method: not provided. Allele origin: germline. Inheritance: Autosomal dominant inheritance. Affected: yes.

Counsyl
Classification: Benign for Familial cancer of breast. Last evaluated: 2016-05-25. Review status: no assertion criteria provided. Collection method: clinical testing. Allele origin: unknown. Not counted in ClinVar's aggregate classification.

Department of Pathology and Laboratory Medicine, Sinai Health System
Classification: Benign for Malignant tumor of breast. Review status: no assertion criteria provided. Collection method: clinical testing. Allele origin: unknown. Affected: yes. Study: The Canadian Open Genetics Repository (COGR). Not counted in ClinVar's aggregate classification.
Comment: The BARD1 p.Cys645Arg variant was identified in 1 of 504 proband chromosomes (frequency: 0.00198) from individuals or families with hereditary breast and ovarian cancer, and was also identified in 3 of 472 control chromosomes (frequency: 0.006) (De Brakeleer_2010_20077502, Sauer_2005_16061562). The variant was also identified in the following databases: dbSNP (ID: rs2228456) as â€šÃ„ÃºWith Likely benign alleleâ€šÃ„Ã¹, ClinVar (as likely benign by Illumina and benign by Ambry Genetics, Color Genomics, Counsyl, Invitae, and Quest Diagnostics), Clinvitae (3x), and Zhejiang Colon Cancer Database (3x). The variant was not identified in Cosmic, or MutDB databases. The variant was identified in control databases in 1841 of 277108 chromosomes (56 homozygous) at a frequency of 0.006644 increasing the likelihood this could be a low frequency benign variant (Genome Aggregation Database Feb 27, 2017). Observations by population include African in 1657 (55 homozygous) of 24032 chromosomes (freq: 0.06895), â€šÃ„ÃºOtherâ€šÃ„Ã¹ in 23 (1 homozygous) of 6464 chromosomes (freq: 0.003558), Latino in 99 of 34416 chromosomes (freq: 0.002877), European (Non-Finnish) in 29 of 126612 chromosomes (freq: 0.000229), Ashkenazi Jewish in 14 of 10148 chromosomes (freq: 0.00138), European (Finnish) in 17 of 25784 chromosomes (freq: 0.000659), and South Asian in 2 of 30782 chromosomes (freq: 0.000065), while the variant was not observed in the East Asian populations. Several functional studies identified the variant to be associated with breast and ovarian cancer, and may adversely affect the structure and function of the BRCT1 domain (Alshatwi_2012_23056176, Birrane_2007_17550235, Li_2013_23680151, Sauer_2005_16061562). The p.Cys645Arg residue is not conserved in mammals and computational analyses (PolyPhen-2, SIFT, AlignGVGD, BLOSUM, MutationTaster) do not suggest a high likelihood of impact to the protein; however, this information is not predictive enough to rule out pathogenicity. The variant occurs outside of the splicing consensus sequence and in silico or computational prediction software programs (SpliceSiteFinder, MaxEntScan, NNSPLICE, GeneSplicer, HumanSpliceFinder) do not predict a difference in splicing. In summary, based on the above information this variant meets our laboratory's criteria to be classified as benign.

Literature cited by the submitters: PubMed 25085752 (cited by Myriad Genetics, Inc.); PubMed 17550235 (cited by Quest Diagnostics Nichols Institute San Juan Capistrano and Women's Health and Genetics/Laboratory Corporation of America, LabCorp); PubMed 20077502 (cited by 3 submitters); PubMed 16061562 (cited by 4 submitters); PubMed 23056176 (cited by 3 submitters); PubMed 23680151 (cited by 3 submitters); PubMed 24454733 (cited by Women's Health and Genetics/Laboratory Corporation of America, LabCorp); PubMed 26787654 (cited by Counsyl).

NM_000465.4(BARD1):c.1933T>C (p.Cys645Arg)

Gene: BARD1 (BRCA1 associated RING domain 1; minus strand). Cytogenetic location: 2q35.
Variant type: single nucleotide variant.
Coding change: c.1933T>C on transcript NM_000465.4 (MANE Select); coding-DNA position 1933, T replaced by C.
Protein change: p.Cys645Arg; replaces cysteine 645 with arginine.
Molecular consequence: missense variant. On other transcripts: non-coding transcript variant (3).
Genome position (GRCh38, 1-based): chr2:214,730,479, A>G on the plus strand (T>C on the coding strand, the complement: BARD1 is on the minus strand). VCF-style: chr2-214730479-A-G. GRCh37 (hg19) VCF-style: chr2-215595203-A-G.
Other names: NP_000456.2:p.Cys645Arg; c.1876T>C, p.Cys626Arg (NM_001282543.2); c.580T>C, p.Cys194Arg (NM_001282545.2); c.523T>C, p.Cys175Arg (NM_001282548.2); c.394T>C, p.Cys132Arg (NM_001282549.2); short protein forms C645R, C132R, C175R, C626R, C194R.
Identifiers: ClinVar variation 142135 (VCV000142135.58), dbSNP rs2228456, ClinGen allele CA167500.
Genomic context (GRCh38, chr2:214,730,479, plus strand): 5'-CTCTGTTGAGCCTGCTTCTGCGTGGACCTTCAGGAATTTCATACTTTTCTTCCTGTTCAC[A>G]TACTTTTCTTCGTAGACATGCTTTTACCCCTGACAAAAACACAAGAATTAAAGCAAACTA-3'
Protein context (NP_000456.2, residues 635-655): WVKACLRRKV[Cys645Arg]EQEEKYEIPE